The following is an entry in ClinVar:

NM_001130144.3(LTBP3):c.2983G>A (p.Asp995Asn)

Genes: LTBP3 (latent transforming growth factor beta binding protein 3; minus strand), LOC121832793 (Sharpr-MPRA regulatory region 4001; plus strand). Cytogenetic location: 11q13.1.
Variant type: single nucleotide variant.
Coding change: c.2983G>A on transcript NM_001130144.3 (MANE Select); coding-DNA position 2983, G replaced by A.
Protein change: p.Asp995Asn; replaces aspartic acid 995 with asparagine.
Molecular consequence: missense variant.
Genome position (GRCh38, 1-based): chr11:65,540,609, C>T on the plus strand (G>A on the coding strand, the complement: LTBP3 is on the minus strand). VCF-style: chr11-65540609-C-T. GRCh37 (hg19) VCF-style: chr11-65308080-C-T.
Other names: c.2632G>A, p.Asp878Asn (NM_001164266.1); c.2983G>A, p.Asp995Asn (NM_021070.4); short protein forms D878N, D995N.
Identifiers: ClinVar variation 847970 (VCV000847970.9), dbSNP rs748867386, ClinGen allele CA6100382.

ClinVar aggregate classification (germline): Uncertain significance. Review status: criteria provided, multiple submitters, no conflicts (2 of 4 stars). 2 submissions from 2 submitters: Uncertain significance (2). Last evaluated 2025-10-01.

Conditions:
Inborn genetic diseases. Identifiers: MedGen C0950123, MeSH D030342.
Brachyolmia-amelogenesis imperfecta syndrome. Also called: Tooth agenesis, selective, 6; Dental anomalies and short stature; PLATYSPONDYLY WITH AMELOGENESIS IMPERFECTA. Identifiers: Orphanet 2899, MedGen C1832594, MONDO:0011018, OMIM 601216. Disease mechanism: loss of function.

Allele frequency attached by ClinVar (database versions not stated): gnomAD 0.00003 and 0.00002; TOPMed 0.00012; ExAC 0.00017; gnomAD exomes 0.00018.
gnomAD v4.1: 56 of 1,605,944 alleles (0.0035%); highest among the groups gnomAD compares: Admixed American, 0.091%; no homozygotes.

Submissions (2):

Labcorp Genetics (formerly Invitae), Labcorp
Classification: Uncertain significance for Brachyolmia-amelogenesis imperfecta syndrome. Last evaluated: 2025-10-01. Review status: criteria provided, single submitter. Criteria: Invitae Variant Classification Sherloc (09022015). Collection method: clinical testing. Allele origin: germline.
Comment: This sequence change replaces aspartic acid, which is acidic and polar, with asparagine, which is neutral and polar, at codon 995 of the LTBP3 protein (p.Asp995Asn). The frequency data for this variant in the population databases is considered unreliable, as metrics indicate poor data quality at this position in the gnomAD database. This variant has not been reported in the literature in individuals affected with LTBP3-related conditions. ClinVar contains an entry for this variant (Variation ID: 847970). An algorithm developed to predict the effect of missense changes on protein structure and function (PolyPhen-2) suggests that this variant is likely to be disruptive. In summary, the available evidence is currently insufficient to determine the role of this variant in disease. Therefore, it has been classified as a Variant of Uncertain Significance.

Ambry Genetics
Classification: Uncertain significance for Inborn genetic diseases. Last evaluated: 2024-11-29. Review status: criteria provided, single submitter. Criteria: Ambry Variant Classification Scheme 2023. Collection method: clinical testing. Allele origin: germline.